The following is an entry in ClinVar:

ClinVar aggregate classification (germline): Uncertain significance (1 of 4 stars; one submission).

Submission:

Labcorp Genetics (formerly Invitae), Labcorp
Classification: Uncertain significance. Last evaluated: 2024-12-02. Review status: criteria provided, single submitter. Criteria: Invitae Variant Classification Sherloc (09022015). Collection method: clinical testing. Allele origin: germline.
Comment: This sequence change replaces proline, which is neutral and non-polar, with threonine, which is neutral and polar, at codon 701 of the PLK4 protein (p.Pro701Thr). This variant is not present in population databases (gnomAD no frequency). This variant has not been reported in the literature in individuals affected with PLK4-related conditions. ClinVar contains an entry for this variant (Variation ID: 1354507). An algorithm developed to predict the effect of missense changes on protein structure and function (PolyPhen-2) suggests that this variant is likely to be disruptive. In summary, the available evidence is currently insufficient to determine the role of this variant in disease. Therefore, it has been classified as a Variant of Uncertain Significance.

NM_014264.5(PLK4):c.2101C>A (p.Pro701Thr)

Gene: PLK4 (polo like kinase 4; plus strand). Cytogenetic location: 4q28.1.
Variant type: single nucleotide variant.
Coding change: c.2101C>A on transcript NM_014264.5 (MANE Select); coding-DNA position 2101, C replaced by A.
Protein change: p.Pro701Thr; replaces proline 701 with threonine.
Molecular consequence: missense variant.
Genome position (GRCh38, 1-based): chr4:127,892,427, C>A. VCF-style: chr4-127892427-C-A. GRCh37 (hg19) VCF-style: chr4-128813582-C-A.
Other names: c.2005C>A, p.Pro669Thr (NM_001190799.2); c.1978C>A, p.Pro660Thr (NM_001190801.2); short protein forms P660T, P701T, P669T.
Identifiers: ClinVar variation 1354507 (VCV001354507.8), dbSNP rs2148822412, ClinGen allele CA358160213.